The following is an entry in ClinVar:

NM_000660.7(TGFB1):c.505G>C (p.Glu169Gln)

Gene: TGFB1 (transforming growth factor beta 1; minus strand). Cytogenetic location: 19q13.2.
Variant type: single nucleotide variant.
Coding change: c.505G>C on transcript NM_000660.7 (MANE Select); coding-DNA position 505, G replaced by C.
Protein change: p.Glu169Gln; replaces glutamic acid 169 with glutamine.
Molecular consequence: missense variant.
Genome position (GRCh38, 1-based): chr19:41,348,306, C>G on the plus strand (G>C on the coding strand, the complement: TGFB1 is on the minus strand). VCF-style: chr19-41348306-C-G. GRCh37 (hg19) VCF-style: chr19-41854211-C-G.
Other names: short protein forms E169Q.
Identifiers: ClinVar variation 1920186 (VCV001920186.5), dbSNP rs281865484, ClinGen allele CA9460083.

ClinVar aggregate classification (germline): Uncertain significance (1 of 4 stars; one submission).

Allele frequency attached by ClinVar (database versions not stated): gnomAD exomes below 0.00001; ExAC 0.00001.
gnomAD v4.1: 2 of 1,613,016 alleles (0.00012%); highest among the groups gnomAD compares: Non-Finnish European, 0.00017%; no homozygotes.

Submission:

Labcorp Genetics (formerly Invitae), Labcorp
Classification: Uncertain significance. Last evaluated: 2025-09-07. Review status: criteria provided, single submitter. Criteria: Invitae Variant Classification Sherloc (09022015). Collection method: clinical testing. Allele origin: germline.
Comment: This sequence change replaces glutamic acid, which is acidic and polar, with glutamine, which is neutral and polar, at codon 169 of the TGFB1 protein (p.Glu169Gln). This variant is not present in population databases (gnomAD no frequency). This variant has not been reported in the literature in individuals affected with TGFB1-related conditions. ClinVar contains an entry for this variant (Variation ID: 1920186). Invitae Evidence Modeling of protein sequence and biophysical properties (such as structural, functional, and spatial information, amino acid conservation, physicochemical variation, residue mobility, and thermodynamic stability) indicates that this missense variant is not expected to disrupt TGFB1 protein function with a negative predictive value of 80%. This variant disrupts the p.Glu169 amino acid residue in TGFB1. Other variant(s) that disrupt this residue have been determined to be pathogenic (PMID: 17433803, 29230158, 29620655). This suggests that this residue is clinically significant, and that variants that disrupt this residue are likely to be disease-causing. In summary, the available evidence is currently insufficient to determine the role of this variant in disease. Therefore, it has been classified as a Variant of Uncertain Significance.

Literature cited by the submitters: PubMed 17433803; PubMed 29230158; PubMed 29620655.